The following is an entry in ClinVar:

ClinVar aggregate classification (germline): Likely benign. Review status: criteria provided, single submitter (1 of 4 stars). 2 submissions from 2 submitters: Likely benign (1). 1 of the submissions does not count toward it. Last evaluated 2024-12-15.

Conditions:
KAT6A-related disorder. Also called: KAT6A-related condition.

Allele frequency attached by ClinVar (database versions not stated): ExAC 0.00001; gnomAD 0.00001; gnomAD exomes 0.00002; TOPMed 0.00002.

Submissions (2):

Labcorp Genetics (formerly Invitae), Labcorp
Classification: Likely benign. Last evaluated: 2024-12-15. Review status: criteria provided, single submitter. Criteria: Invitae Variant Classification Sherloc (09022015). Collection method: clinical testing. Allele origin: germline.

PreventionGenetics, part of Exact Sciences
Classification: Likely benign for KAT6A-related condition. Last evaluated: 2023-08-02. Review status: no assertion criteria provided. Collection method: clinical testing. Allele origin: germline. Not counted in ClinVar's aggregate classification.
Comment: This variant is classified as likely benign based on ACMG/AMP sequence variant interpretation guidelines (Richards et al. 2015 PMID: 25741868, with internal and published modifications).

NM_006766.5(KAT6A):c.5929A>G (p.Met1977Val)

Gene: KAT6A (lysine acetyltransferase 6A; minus strand). Cytogenetic location: 8p11.21.
Variant type: single nucleotide variant.
Coding change: c.5929A>G on transcript NM_006766.5 (MANE Select); coding-DNA position 5929, A replaced by G.
Protein change: p.Met1977Val; replaces methionine 1977 with valine.
Molecular consequence: missense variant.
Genome position (GRCh38, 1-based): chr8:41,932,291, T>C on the plus strand (A>G on the coding strand, the complement: KAT6A is on the minus strand). VCF-style: chr8-41932291-T-C. GRCh37 (hg19) VCF-style: chr8-41789809-T-C.
Other names: c.5929A>G (NM_006766.4); short protein forms M1977V.
Identifiers: ClinVar variation 2982731 (VCV002982731.5), dbSNP rs759677491, ClinGen allele CA4729222.